The following is an entry in ClinVar:

ClinVar aggregate classification (germline): Uncertain significance. Review status: criteria provided, multiple submitters, no conflicts (2 of 4 stars). 2 submissions from 2 submitters: Uncertain significance (2). Last evaluated 2023-08-01.

Allele frequency attached by ClinVar (database versions not stated): TOPMed below 0.00001; gnomAD 0.00003; ExAC 0.00005; gnomAD exomes 0.00007.
gnomAD v4.1: 96 of 1,608,434 alleles (0.006%); highest among the groups gnomAD compares: South Asian, 0.047%; no homozygotes.

Submissions (2):

CeGaT Center for Human Genetics Tuebingen
Classification: Uncertain significance. Last evaluated: 2023-08-01. Review status: criteria provided, single submitter. Criteria: CeGaT Center For Human Genetics Tuebingen Variant Classification Criteria Version 2. Collection method: clinical testing. Allele origin: germline. Affected: yes. Observed: 1 variant allele.
Comment: COX16: PM2, BP4

Ambry Genetics
Classification: Uncertain significance. Last evaluated: 2022-12-01. Review status: criteria provided, single submitter. Criteria: Ambry Variant Classification Scheme 2023. Collection method: clinical testing. Allele origin: germline.

NM_016468.7(COX16):c.184T>C (p.Ser62Pro)

Genes: COX16 (cytochrome c oxidase assembly factor COX16; minus strand), SYNJ2BP-COX16 (SYNJ2BP-COX16 readthrough; minus strand). Cytogenetic location: 14q24.2.
Variant type: single nucleotide variant.
Coding change: c.184T>C on transcript NM_016468.7 (MANE Select); coding-DNA position 184, T replaced by C.
Protein change: p.Ser62Pro; replaces serine 62 with proline.
Molecular consequence: missense variant.
Genome position (GRCh38, 1-based): chr14:70,329,194, A>G on the plus strand (T>C on the coding strand, the complement: COX16 is on the minus strand). VCF-style: chr14-70329194-A-G. GRCh37 (hg19) VCF-style: chr14-70795911-A-G.
Other names: c.439T>C, p.Ser147Pro (NM_001202547.2); c.412T>C, p.Ser138Pro (NM_001202548.2); c.340T>C, p.Ser114Pro (NM_001202549.2); c.112T>C, p.Ser38Pro (NM_001204090.2); short protein forms S114P, S138P, S147P, S38P, S62P.
Identifiers: ClinVar variation 2578720 (VCV002578720.26), dbSNP rs756535934, ClinGen allele CA7247894.